The following is an entry in ClinVar:

ClinVar aggregate classification (germline): Pathogenic (1 of 4 stars; one submission).

Conditions:
Joubert syndrome and related disorders. Identifiers: Orphanet 140874, MedGen C5679612, MONDO:0015369.

Submission:

Women's Health and Genetics/Laboratory Corporation of America, LabCorp
Classification: Pathogenic for Joubert syndrome and related disorders. Last evaluated: 2025-02-17. Review status: criteria provided, single submitter. Criteria: LabCorp Variant Classification Summary - May 2015. Collection method: clinical testing. Allele origin: germline.
Comment: Variant summary: The variant involves the deletion of exons 3-20 in the NPHP1 gene. A presumed nomenclature of c.(143+1_144-1)_(*444_?)del has been designated for the purposes of this classification. The exact breakpoint at the distal 3' end of this variant is unknown, therefore this deletion may extend downstream of the annotated region of the gene. As it encompasses the termination codon, it is predicted to escape nonsense mediated decay (NMD). Multiple smaller deletions within the deleted interval have been associated with disease (i.e. c.(1122+1_1123-1)_(*444_?)del, exon 11-20 deletion).The variant was absent in 21694 control chromosomes in gnomAD SV database v2. To our knowledge, no occurrence of c.(143+1_144-1)_(*444_?)del in individuals affected with Joubert Syndrome And Related Disorders and no experimental evidence demonstrating its impact on protein function have been reported. No submitters have cited clinical-significance assessments for this variant to ClinVar. Based on the evidence outlined above, the variant was classified as pathogenic.

NC_000002.11:g.(?_110880924)_(110937262_110958997)del

Gene: NPHP1 (nephrocystin 1; minus strand). Cytogenetic location: 2q13.
Variant type: Deletion.
Identifiers: ClinVar variation 3769035 (VCV003769035.1).